The following is an entry in ClinVar:

ClinVar aggregate classification (germline): Likely benign. Review status: criteria provided, single submitter (1 of 4 stars). 2 submissions from 2 submitters: Likely benign (1). 1 of the submissions does not count toward it. Last evaluated 2025-12-03.

Conditions:
KIDINS220-related disorder. Also called: KIDINS220-related condition.

Allele frequency attached by ClinVar (database versions not stated): gnomAD exomes 0.00012; gnomAD 0.00011; TOPMed 0.00011; ExAC 0.00012.
gnomAD v4.1: 188 of 1,613,760 alleles (0.012%); highest among the groups gnomAD compares: East Asian, 0.26%; 2 homozygotes.

Submissions (2):

Labcorp Genetics (formerly Invitae), Labcorp
Classification: Likely benign. Last evaluated: 2025-12-03. Review status: criteria provided, single submitter. Criteria: Invitae Variant Classification Sherloc (09022015). Collection method: clinical testing. Allele origin: germline.

PreventionGenetics, part of Exact Sciences
Classification: Likely benign for KIDINS220-related condition. Last evaluated: 2023-07-28. Review status: no assertion criteria provided. Collection method: clinical testing. Allele origin: germline. Not counted in ClinVar's aggregate classification.
Comment: This variant is classified as likely benign based on ACMG/AMP sequence variant interpretation guidelines (Richards et al. 2015 PMID: 25741868, with internal and published modifications).

NM_020738.4(KIDINS220):c.771C>T (p.Asp257=)

Gene: KIDINS220 (kinase D interacting substrate 220; minus strand). Cytogenetic location: 2p25.1.
Variant type: single nucleotide variant.
Coding change: c.771C>T on transcript NM_020738.4 (MANE Select); coding-DNA position 771, C replaced by T.
Protein change: p.Asp257=; no amino-acid change (aspartic acid 257 retained).
Molecular consequence: synonymous variant. On other transcripts: non-coding transcript variant (2).
Genome position (GRCh38, 1-based): chr2:8,802,960, G>A on the plus strand (C>T on the coding strand, the complement: KIDINS220 is on the minus strand). VCF-style: chr2-8802960-G-A. GRCh37 (hg19) VCF-style: chr2-8943090-G-A.
Other names: c.774C>T, p.Asp258= (NM_001348729.2, NM_001348731.2, NM_001348734.2 and 3 more transcripts); c.771C>T, p.Asp257= (NM_001348732.2, NM_001348735.2, NM_001348738.2 and 3 more transcripts); c.645C>T, p.Asp215= (NM_001348736.2); c.771C>T (NM_020738.2).
Identifiers: ClinVar variation 2070225 (VCV002070225.6), dbSNP rs751385454, ClinGen allele CA1520356.